The following is an entry in ClinVar:

NM_014874.4(MFN2):c.411G>C (p.Glu137Asp)

Gene: MFN2 (mitofusin 2; plus strand). Cytogenetic location: 1p36.22.
Variant type: single nucleotide variant.
Coding change: c.411G>C on transcript NM_014874.4 (MANE Select); coding-DNA position 411, G replaced by C.
Protein change: p.Glu137Asp; replaces glutamic acid 137 with aspartic acid.
Molecular consequence: missense variant.
Genome position (GRCh38, 1-based): chr1:11,996,255, G>C. VCF-style: chr1-11996255-G-C. GRCh37 (hg19) VCF-style: chr1-12056312-G-C.
Other names: c.411G>C, p.Glu137Asp (NM_001127660.2); short protein forms E137D.
Identifiers: ClinVar variation 1521395 (VCV001521395.6), dbSNP rs2100822641, ClinGen allele CA338434786.

ClinVar aggregate classification (germline): Uncertain significance (1 of 4 stars; one submission).

Conditions:
Charcot-Marie-Tooth disease type 2. Also called: Charcot-Marie-Tooth type 2. Identifiers: Orphanet 64746, MedGen C0270914, MONDO:0018993.

Submission:

Labcorp Genetics (formerly Invitae), Labcorp
Classification: Uncertain significance for Charcot-Marie-Tooth disease type 2. Last evaluated: 2021-10-01. Review status: criteria provided, single submitter. Criteria: Invitae Variant Classification Sherloc (09022015). Collection method: clinical testing. Allele origin: germline.
Comment: In summary, the available evidence is currently insufficient to determine the role of this variant in disease. Therefore, it has been classified as a Variant of Uncertain Significance. Algorithms developed to predict the effect of missense changes on protein structure and function (SIFT, PolyPhen-2, Align-GVGD) all suggest that this variant is likely to be tolerated. This variant has not been reported in the literature in individuals affected with MFN2-related conditions. This variant is not present in population databases (ExAC no frequency). This sequence change replaces glutamic acid with aspartic acid at codon 137 of the MFN2 protein (p.Glu137Asp). The glutamic acid residue is moderately conserved and there is a small physicochemical difference between glutamic acid and aspartic acid.